The following is an entry in ClinVar:

NC_000016.10:g.(?_15586717)_(15838252_?)del

Genes: MYH11 (myosin heavy chain 11; minus strand), MARF1 (meiosis regulator and mRNA stability factor 1; minus strand), NDE1 (nudE neurodevelopment protein 1; plus strand), BMERB1 (bMERB domain containing 1; plus strand). Cytogenetic location: 16p13.11.
Variant type: Deletion.
Identifiers: ClinVar variation 832440 (VCV000832440.1).

ClinVar aggregate classification (germline): Pathogenic (1 of 4 stars; one submission).

Conditions:
Aortic aneurysm, familial thoracic 4 (AAT4). Also called: AORTIC ANEURYSM/AORTIC DISSECTION AND PATENT DUCTUS ARTERIOSUS. Identifiers: MedGen C1851504, MONDO:0007568, OMIM 132900.

Submission:

Labcorp Genetics (formerly Invitae), Labcorp
Classification: Pathogenic for Aortic aneurysm, familial thoracic 4. Last evaluated: 2019-07-08. Review status: criteria provided, single submitter. Criteria: Invitae Variant Classification Sherloc (09022015). Collection method: clinical testing. Allele origin: germline.
Comment: A gross deletion of the genomic region encompassing the full coding sequence of the MYH11 gene has been identified. The boundaries of this event are unknown as the deletion extends beyond the assayed region for this gene and therefore may encompass additional genes. Isolated whole-gene deletions of MYH11 have not been reported in the literature. However, larger copy number events that include this gene have been reported (PMID: 27884122, 29179725, 22318994). Loss-of-function variants in MYH11 are known to be pathogenic (PMID: 25407000, 29575632). For these reasons, this variant has been classified as Pathogenic.

Literature cited by the submitters: PubMed 27884122; PubMed 22318994; PubMed 29179725.